The following is an entry in ClinVar:

ClinVar aggregate classification (germline): Likely benign. Review status: criteria provided, multiple submitters, no conflicts (2 of 4 stars). 6 submissions from 6 submitters: Likely benign (6). Last evaluated 2025-05-16.

Conditions:
Lethal congenital glycogen storage disease of heart. Also called: GLYCOGEN STORAGE DISEASE OF HEART; PHOSPHORYLASE KINASE DEFICIENCY OF HEART. Identifiers: Orphanet 439854, MedGen C1849813, MONDO:0009867, OMIM 261740.
PRKAG2-related disorder. Also called: PRKAG2-related condition; PRKAG2-related disorders.
Cardiomyopathy (CMYO). Also called: Cardiomyopathies. Identifiers: Orphanet 167848, MedGen C0878544, MONDO:0004994, HP:0001638. Inheritance: Various modes of inheritance.
Hypertrophic cardiomyopathy. Also called: HYPERTROPHIC MYOCARDIOPATHY. Identifiers: Orphanet 217569, MedGen C0007194, MeSH D002312, MONDO:0005045, HP:0001639.
Cardiovascular phenotype. Identifiers: MedGen CN230736.

Allele frequency attached by ClinVar (database versions not stated): gnomAD exomes below 0.00001; gnomAD 0.00001; TOPMed 0.00002.
gnomAD v4.1: 3 of 1,614,046 alleles (0.00019%); highest among the groups gnomAD compares: Non-Finnish European, 0.00025%; no homozygotes.

Submissions (6):

PreventionGenetics, part of Exact Sciences
Classification: Likely benign for PRKAG2-related condition. Last evaluated: 2025-05-16. Review status: criteria provided, single submitter. Criteria: ACMG Guidelines, 2015. Collection method: clinical testing. Allele origin: germline.
Comment: This variant is classified as likely benign based on ACMG/AMP sequence variant interpretation guidelines (Richards et al. 2015 PMID: 25741868, with internal and published modifications).

Labcorp Genetics (formerly Invitae), Labcorp
Classification: Likely benign for Lethal congenital glycogen storage disease of heart. Last evaluated: 2024-07-16. Review status: criteria provided, single submitter. Criteria: Invitae Variant Classification Sherloc (09022015). Collection method: clinical testing. Allele origin: germline.

All of Us Research Program, National Institutes of Health
Classification: Likely benign for Hypertrophic cardiomyopathy. Last evaluated: 2023-09-04. Review status: criteria provided, single submitter. Criteria: ACMG Guidelines, 2015. Collection method: clinical testing. Allele origin: germline. Inheritance: Autosomal dominant inheritance. Observed: 3 variant alleles, 3 heterozygotes.
Comment: This study involves interpretation of variants in research participants for the purpose of population health screening. Participant phenotype was not available at the time of variant classification. Additional details can be found in publication PMID: 35346344, PMCID: PMC8962531

Ambry Genetics
Classification: Likely benign for Cardiovascular phenotype. Last evaluated: 2020-03-10. Review status: criteria provided, single submitter. Criteria: Ambry Variant Classification Scheme 2023. Collection method: clinical testing. Allele origin: germline.

Color Diagnostics, LLC DBA Color Health
Classification: Likely benign for Cardiomyopathy. Last evaluated: 2018-12-10. Review status: criteria provided, single submitter. Criteria: ACMG Guidelines, 2015. Collection method: clinical testing. Allele origin: germline.

GeneDx
Classification: Likely benign. Last evaluated: 2018-02-21. Review status: criteria provided, single submitter. Criteria: GeneDx Variant Classification (06012015). Collection method: clinical testing. Allele origin: germline. Affected: yes.
Comment: This variant is considered likely benign or benign based on one or more of the following criteria: it is a conservative change, it occurs at a poorly conserved position in the protein, it is predicted to be benign by multiple in silico algorithms, and/or has population frequency not consistent with disease.

NM_016203.4(PRKAG2):c.516G>A (p.Gln172=)

Gene: PRKAG2 (protein kinase AMP-activated non-catalytic subunit gamma 2; minus strand). Cytogenetic location: 7q36.1.
Variant type: single nucleotide variant.
Coding change: c.516G>A on transcript NM_016203.4 (MANE Select); coding-DNA position 516, G replaced by A.
Protein change: p.Gln172=; no amino-acid change (glutamine 172 retained).
Molecular consequence: synonymous variant.
Genome position (GRCh38, 1-based): chr7:151,675,588, C>T on the plus strand (G>A on the coding strand, the complement: PRKAG2 is on the minus strand). VCF-style: chr7-151675588-C-T. GRCh37 (hg19) VCF-style: chr7-151372674-C-T.
Other names: c.384G>A, p.Gln128= (NM_001040633.2); c.144G>A, p.Gln48= (NM_001304527.2, NM_001363698.2).
Identifiers: ClinVar variation 515364 (VCV000515364.16), dbSNP rs1022959045, ClinGen allele CA169447543.